The following is an entry in ClinVar:

ClinVar aggregate classification (germline): Uncertain significance. Review status: criteria provided, multiple submitters, no conflicts (2 of 4 stars). 2 submissions from 2 submitters: Uncertain significance (2). Last evaluated 2026-08-07.

Conditions:
Cardiovascular phenotype. Identifiers: MedGen CN230736.
Brugada syndrome 8 (BRGDA8). Identifiers: Orphanet 130, MedGen C2751083, MONDO:0013148, OMIM 613123.

Allele frequency attached by ClinVar (database versions not stated): gnomAD exomes below 0.00001.
gnomAD v4.1: 1 of 1,570,206 alleles (0.000064%); highest among the groups gnomAD compares: South Asian, 0.0011%; no homozygotes.

Submissions (2):

Ambry Genetics
Classification: Uncertain significance for Cardiovascular phenotype. Last evaluated: 2026-08-07. Review status: criteria provided, single submitter. Criteria: Ambry Variant Classification Scheme 2023. Collection method: clinical testing. Allele origin: germline.
Comment: The p.A175V variant (also known as c.524C>T), located in coding exon 1 of the HCN4 gene, results from a C to T substitution at nucleotide position 524. The alanine at codon 175 is replaced by valine, an amino acid with similar properties. This amino acid position is conserved. In addition, this alteration is predicted to be tolerated by in silico analysis. Since supporting evidence is limited at this time, the clinical significance of this alteration remains unclear.

Labcorp Genetics (formerly Invitae), Labcorp
Classification: Uncertain significance for Brugada syndrome 8. Last evaluated: 2021-08-27. Review status: criteria provided, single submitter. Criteria: Invitae Variant Classification Sherloc (09022015). Collection method: clinical testing. Allele origin: germline.
Comment: This sequence change replaces alanine with valine at codon 175 of the HCN4 protein (p.Ala175Val). The alanine residue is weakly conserved and there is a small physicochemical difference between alanine and valine. This variant is not present in population databases (ExAC no frequency). This variant has not been reported in the literature in individuals affected with HCN4-related conditions. Algorithms developed to predict the effect of missense changes on protein structure and function output the following: SIFT: "Tolerated"; PolyPhen-2: "Not Available"; Align-GVGD: "Class C0". The valine amino acid residue is found in multiple mammalian species, which suggests that this missense change does not adversely affect protein function. In summary, the available evidence is currently insufficient to determine the role of this variant in disease. Therefore, it has been classified as a Variant of Uncertain Significance.

NM_005477.3(HCN4):c.524C>T (p.Ala175Val)

Gene: HCN4 (hyperpolarization activated cyclic nucleotide gated potassium channel 4; minus strand). Cytogenetic location: 15q24.1.
Variant type: single nucleotide variant.
Coding change: c.524C>T on transcript NM_005477.3 (MANE Select); coding-DNA position 524, C replaced by T.
Protein change: p.Ala175Val; replaces alanine 175 with valine.
Molecular consequence: missense variant.
Genome position (GRCh38, 1-based): chr15:73,367,747, G>A on the plus strand (C>T on the coding strand, the complement: HCN4 is on the minus strand). VCF-style: chr15-73367747-G-A. GRCh37 (hg19) VCF-style: chr15-73660088-G-A.
Other names: short protein forms A175V.
Identifiers: ClinVar variation 581032 (VCV000581032.7), dbSNP rs1464305426, ClinGen allele CA393097748.